The following is an entry in ClinVar:

ClinVar aggregate classification (germline): Uncertain significance (1 of 4 stars; one submission).

gnomAD v4.1: 2 of 1,547,514 alleles (0.00013%); highest among the groups gnomAD compares: African/African-American, 0.0014%; no homozygotes.

Submission:

GeneDx
Classification: Uncertain significance. Last evaluated: 2025-06-24. Review status: criteria provided, single submitter. Criteria: GeneDx Variant Classification Process June 2021. Collection method: clinical testing. Allele origin: germline. Affected: yes.
Comment: In silico analysis supports that this missense variant has a deleterious effect on protein structure/function; Has not been previously published as pathogenic or benign to our knowledge

NM_014159.7(SETD2):c.845A>G (p.Glu282Gly)

Gene: SETD2 (SET domain containing 2, histone lysine methyltransferase; minus strand). Cytogenetic location: 3p21.31.
Variant type: single nucleotide variant.
Coding change: c.845A>G on transcript NM_014159.7 (MANE Select); coding-DNA position 845, A replaced by G.
Protein change: p.Glu282Gly; replaces glutamic acid 282 with glycine.
Molecular consequence: missense variant. On other transcripts: non-coding transcript variant (1).
Genome position (GRCh38, 1-based): chr3:47,123,791, T>C on the plus strand (A>G on the coding strand, the complement: SETD2 is on the minus strand). VCF-style: chr3-47123791-T-C. GRCh37 (hg19) VCF-style: chr3-47165281-T-C.
Other names: c.713A>G, p.Glu238Gly (NM_001349370.3); short protein forms E238G, E282G.
Identifiers: ClinVar variation 4540392 (VCV004540392.1).